The following is an entry in ClinVar:

NM_001365951.3(KIF1B):c.2384C>G (p.Thr795Ser)

Gene: KIF1B (kinesin family member 1B; plus strand). Cytogenetic location: 1p36.22.
Variant type: single nucleotide variant.
Coding change: c.2384C>G on transcript NM_001365951.3 (MANE Select); coding-DNA position 2384, C replaced by G.
Protein change: p.Thr795Ser; replaces threonine 795 with serine.
Molecular consequence: missense variant.
Genome position (GRCh38, 1-based): chr1:10,323,909, C>G. VCF-style: chr1-10323909-C-G. GRCh37 (hg19) VCF-style: chr1-10383967-C-G.
Other names: c.2384C>G, p.Thr795Ser (NM_001365952.1); c.2246C>G, p.Thr749Ser (NM_015074.3); short protein forms T749S, T795S.
Identifiers: ClinVar variation 1464599 (VCV001464599.10), dbSNP rs2102298851, ClinGen allele CA338334351.
Genomic context (GRCh38, chr1:10,323,909, plus strand): 5'-AAACCATTTGTCAATGGTTTATTCTTTCTATTCAGGTGCAGTTTCAGTTTGTTCTGCTGA[C>G]TGACACACTGTACTCCCCTTTGCCTCCTGAATTACTTCCCACTGAGATGGAAAAAACTCA-3'
Protein context (NP_001352880.1, residues 785-805): KKVQFQFVLL[Thr795Ser]DTLYSPLPPE

ClinVar aggregate classification (germline): Uncertain significance. Review status: criteria provided, multiple submitters, no conflicts (2 of 4 stars). 2 submissions from 2 submitters: Uncertain significance (2). Last evaluated 2024-04-15.

Conditions:
Charcot-Marie-Tooth disease type 2. Also called: Charcot-Marie-Tooth type 2. Identifiers: Orphanet 64746, MedGen C0270914, MONDO:0018993.

Allele frequency attached by ClinVar (database versions not stated): gnomAD exomes below 0.00001.
gnomAD v4.1: 2 of 1,614,084 alleles (0.00012%); highest among the groups gnomAD compares: Non-Finnish European, 0.00017%; no homozygotes.

Submissions (2):

Labcorp Genetics (formerly Invitae), Labcorp
Classification: Uncertain significance for Charcot-Marie-Tooth disease type 2. Last evaluated: 2024-04-15. Review status: criteria provided, single submitter. Criteria: Invitae Variant Classification Sherloc (09022015). Collection method: clinical testing. Allele origin: germline.
Comment: This sequence change replaces threonine, which is neutral and polar, with serine, which is neutral and polar, at codon 749 of the KIF1B protein (p.Thr749Ser). This variant is not present in population databases (gnomAD no frequency). This variant has not been reported in the literature in individuals affected with KIF1B-related conditions. ClinVar contains an entry for this variant (Variation ID: 1464599). Advanced modeling of protein sequence and biophysical properties (such as structural, functional, and spatial information, amino acid conservation, physicochemical variation, residue mobility, and thermodynamic stability) performed at Invitae indicates that this missense variant is not expected to disrupt KIF1B protein function with a negative predictive value of 80%. In summary, the available evidence is currently insufficient to determine the role of this variant in disease. Therefore, it has been classified as a Variant of Uncertain Significance.

Ambry Genetics
Classification: Uncertain significance. Last evaluated: 2023-09-09. Review status: criteria provided, single submitter. Criteria: Ambry Variant Classification Scheme 2023. Collection method: clinical testing. Allele origin: germline.
Comment: The p.T749S variant (also known as c.2246C>G), located in coding exon 22 of the KIF1B gene, results from a C to G substitution at nucleotide position 2246. The threonine at codon 749 is replaced by serine, an amino acid with similar properties. This amino acid position is highly conserved in available vertebrate species. In addition, the in silico prediction for this alteration is inconclusive. Since supporting evidence is limited at this time, the clinical significance of this alteration remains unclear.